The following is an entry in ClinVar:

NM_002890.3(RASA1):c.532A>G (p.Thr178Ala)

Gene: RASA1 (RAS p21 protein activator 1; plus strand). Cytogenetic location: 5q14.3.
Variant type: single nucleotide variant.
Coding change: c.532A>G on transcript NM_002890.3 (MANE Select); coding-DNA position 532, A replaced by G.
Protein change: p.Thr178Ala; replaces threonine 178 with alanine.
Molecular consequence: missense variant. On other transcripts: 5 prime UTR variant (1).
Genome position (GRCh38, 1-based): chr5:87,268,983, A>G. VCF-style: chr5-87268983-A-G. GRCh37 (hg19) VCF-style: chr5-86564800-A-G.
Other names: c.-65A>G (NM_022650.3); short protein forms T178A.
Identifiers: ClinVar variation 2143746 (VCV002143746.6), dbSNP rs150804394, ClinGen allele CA3335455.

ClinVar aggregate classification (germline): Conflicting classifications of pathogenicity. Review status: criteria provided, conflicting classifications (1 of 4 stars). 2 submissions from 2 submitters: Uncertain significance (1); Likely benign (1). Last evaluated 2023-09-06.

Conditions:
Capillary malformation-arteriovenous malformation syndrome. Also called: Capillary malformation-arteriovenous malformation. Identifiers: Orphanet 137667, MedGen C1842180, MONDO:0012016.
Cardiovascular phenotype. Identifiers: MedGen CN230736.

Allele frequency attached by ClinVar (database versions not stated): ExAC 0.00003; ESP Exome Variant Server 0.00008.
gnomAD v4.1: 10 of 1,614,102 alleles (0.00062%); highest among the groups gnomAD compares: Admixed American, 0.0017%; no homozygotes.

Submissions (2):

Ambry Genetics
Classification: Likely benign for Cardiovascular phenotype. Last evaluated: 2023-09-06. Review status: criteria provided, single submitter. Criteria: Ambry Variant Classification Scheme 2023. Collection method: clinical testing. Allele origin: germline.

Labcorp Genetics (formerly Invitae), Labcorp
Classification: Uncertain significance for Capillary malformation-arteriovenous malformation syndrome. Last evaluated: 2022-02-03. Review status: criteria provided, single submitter. Criteria: Invitae Variant Classification Sherloc (09022015). Collection method: clinical testing. Allele origin: germline.
Comment: This variant has not been reported in the literature in individuals affected with RASA1-related conditions. Algorithms developed to predict the effect of missense changes on protein structure and function (SIFT, PolyPhen-2, Align-GVGD) all suggest that this variant is likely to be tolerated. Algorithms developed to predict the effect of sequence changes on RNA splicing suggest that this variant may create or strengthen a splice site. In summary, the available evidence is currently insufficient to determine the role of this variant in disease. Therefore, it has been classified as a Variant of Uncertain Significance. This variant is present in population databases (rs150804394, gnomAD 0.01%). This sequence change replaces threonine, which is neutral and polar, with alanine, which is neutral and non-polar, at codon 178 of the RASA1 protein (p.Thr178Ala).